The following is an entry in ClinVar:

NM_000548.5(TSC2):c.3196C>T (p.Leu1066Phe)

Gene: TSC2 (TSC complex subunit 2; plus strand). Cytogenetic location: 16p13.3.
Variant type: single nucleotide variant.
Coding change: c.3196C>T on transcript NM_000548.5 (MANE Select); coding-DNA position 3196, C replaced by T.
Protein change: p.Leu1066Phe; replaces leucine 1066 with phenylalanine.
Molecular consequence: missense variant.
Genome position (GRCh38, 1-based): chr16:2,079,340, C>T. VCF-style: chr16-2079340-C-T. GRCh37 (hg19) VCF-style: chr16-2129341-C-T.
Other names: c.3064C>T, p.Leu1022Phe (NM_001077183.3, NM_001370404.1); c.3196C>T, p.Leu1066Phe (NM_001114382.3); c.2956C>T, p.Leu986Phe (NM_001318827.2); c.2920C>T, p.Leu974Phe (NM_001318829.2); c.2464C>T, p.Leu822Phe (NM_001318831.2); c.3097C>T, p.Leu1033Phe (NM_001318832.2); c.3067C>T, p.Leu1023Phe (NM_001363528.2, NM_001370405.1, NM_021055.3); short protein forms L1066F, L1022F, L1023F, L1033F, L986F, L822F, L974F.
Identifiers: ClinVar variation 318325 (VCV000318325.20), dbSNP rs886051793, ClinGen allele CA10648022.

ClinVar aggregate classification (germline): Conflicting classifications of pathogenicity. Review status: criteria provided, conflicting classifications (1 of 4 stars). 5 submissions from 5 submitters: Uncertain significance (4); Benign (1). Last evaluated 2025-12-19.

Conditions:
Tuberous sclerosis syndrome (TSC). Also called: Tuberous Sclerosis Complex; Tuberous sclerosis. Identifiers: Orphanet 805, MedGen C0041341, MONDO:0001734.
Tuberous sclerosis 2 (TSC2). Identifiers: Orphanet 805, MedGen C1860707, MONDO:0013199, OMIM 613254.
Hereditary cancer-predisposing syndrome. Also called: Neoplastic Syndromes, Hereditary; Hereditary neoplastic syndrome; Tumor predisposition; Hereditary Cancer Syndrome. Identifiers: Orphanet 140162, MedGen C0027672, MeSH D009386, MONDO:0015356.

Allele frequency attached by ClinVar (database versions not stated): gnomAD exomes 0.00003 and below 0.00001.
gnomAD v4.1: 37 of 1,613,028 alleles (0.0023%); highest among the groups gnomAD compares: Non-Finnish European, 0.003%; no homozygotes.

Submissions (5):

Ambry Genetics
Classification: Uncertain significance for Hereditary cancer-predisposing syndrome. Last evaluated: 2025-12-19. Review status: criteria provided, single submitter. Criteria: Ambry Variant Classification Scheme 2023. Collection method: clinical testing. Allele origin: germline.
Comment: The p.L1066F variant (also known as c.3196C>T), located in coding exon 27 of the TSC2 gene, results from a C to T substitution at nucleotide position 3196. The leucine at codon 1066 is replaced by phenylalanine, an amino acid with highly similar properties. This amino acid position is highly conserved in available vertebrate species. In addition, this alteration is predicted to be deleterious by in silico analysis. Based on the available evidence, the clinical significance of this variant remains unclear.

Labcorp Genetics (formerly Invitae), Labcorp
Classification: Benign for Tuberous sclerosis 2. Last evaluated: 2025-08-07. Review status: criteria provided, single submitter. Criteria: Invitae Variant Classification Sherloc (09022015). Collection method: clinical testing. Allele origin: germline.

All of Us Research Program, National Institutes of Health
Classification: Uncertain significance for Tuberous sclerosis syndrome. Last evaluated: 2024-01-11. Review status: criteria provided, single submitter. Criteria: ACMG Guidelines, 2015. Collection method: clinical testing. Allele origin: germline. Inheritance: Autosomal dominant inheritance. Observed: 1 variant allele, 1 heterozygote.
Comment: This study involves interpretation of variants in research participants for the purpose of population health screening. Participant phenotype was not available at the time of variant classification. Additional details can be found in publication PMID: 35346344, PMCID: PMC8962531

Genome-Nilou Lab
Classification: Uncertain significance for Tuberous sclerosis 2. Last evaluated: 2021-11-07. Review status: criteria provided, single submitter. Criteria: ACMG Guidelines, 2015. Collection method: clinical testing. Allele origin: germline. Affected: no.

Illumina Laboratory Services, Illumina
Classification: Uncertain significance for Tuberous sclerosis syndrome. Last evaluated: 2018-01-13. Review status: criteria provided, single submitter. Criteria: ICSL Variant Classification Criteria 13 December 2019. Collection method: clinical testing. Allele origin: germline.